The following is an entry in ClinVar:

ClinVar aggregate classification (germline): Uncertain significance (1 of 4 stars; one submission).

Conditions:
Cardiovascular phenotype. Identifiers: MedGen CN230736.

Submission:

Ambry Genetics
Classification: Uncertain significance for Cardiovascular phenotype. Last evaluated: 2021-06-15. Review status: criteria provided, single submitter. Criteria: Ambry Variant Classification Scheme 2023. Collection method: clinical testing. Allele origin: germline.
Comment: The p.F1965L variant (also known as c.5895T>G), located in coding exon 38 of the RYR2 gene, results from a T to G substitution at nucleotide position 5895. The phenylalanine at codon 1965 is replaced by leucine, an amino acid with highly similar properties. This amino acid position is highly conserved in available vertebrate species. In addition, the in silico prediction for this alteration is inconclusive. Since supporting evidence is limited at this time, the clinical significance of this alteration remains unclear.

NM_001035.3(RYR2):c.5895T>G (p.Phe1965Leu)

Gene: RYR2 (ryanodine receptor 2; plus strand). Cytogenetic location: 1q43.
Variant type: single nucleotide variant.
Coding change: c.5895T>G on transcript NM_001035.3 (MANE Select); coding-DNA position 5895, T replaced by G.
Protein change: p.Phe1965Leu; replaces phenylalanine 1965 with leucine.
Molecular consequence: missense variant.
Genome position (GRCh38, 1-based): chr1:237,617,465, T>G. VCF-style: chr1-237617465-T-G. GRCh37 (hg19) VCF-style: chr1-237780765-T-G.
Other names: short protein forms F1965L.
Identifiers: ClinVar variation 1750336 (VCV001750336.2), dbSNP rs2546818206, ClinGen allele CA345407403.